The following is an entry in ClinVar:

GRCh37/hg19 17p13.3(chr17:257557-1791653)x4

Genes: ABR (ABR activator of RhoGEF and GTPase; minus strand), BHLHA9 (basic helix-loop-helix family member a9; plus strand), CRK (CRK proto-oncogene, adaptor protein; minus strand), GEMIN4 (gem nuclear organelle associated protein 4; minus strand), GLOD4 (glyoxalase domain containing 4; minus strand) and 23 more. Cytogenetic location: 17p13.3.
Variant type: copy number gain.
Change: copy number 4 of chr17:257,557-1,791,653 (1.53 Mb, GRCh37 coordinates, 1-based), cytogenetic band 17p13.3.
Identifiers: ClinVar variation 4682916 (VCV004682916.1).

ClinVar aggregate classification (germline): Pathogenic (1 of 4 stars; one submission).

Submission:

Quest Diagnostics Nichols Institute San Juan Capistrano
Classification: Pathogenic. Last evaluated: 2025-04-26. Review status: criteria provided, single submitter. Criteria: ACMG/ClinGen CNV Guidelines, 2019. Collection method: clinical testing. Allele origin: unknown.
Comment: This triplication overlaps the 17p13.3 microduplication syndrome class I duplication region. 17p13.3 microduplication syndrome class I duplications have been identified in individuals with various phenotypic features (Bi 2009, Crippa 2019, Curry 2013, Da Silva 2022, Vittas 2023). In many instances, the duplication/triplication is inherited from an unaffected parent, with penetrance expected to be less than 50% and notably variable expressivity (Armour 2011, Klopocki 2012, Nagata 2014, Petit 2014). Therefore, based on current medical literature, this copy number variant (CNV) is interpreted as pathogenic with reduced penetrance and variable expressivity. References: Armour et al., Eur J Hum Genet. 2011 Nov;19(11):1144-51. PMID: 21629300 Bi et al., Nat Genet. 2009 Feb;41(2):168-77. PMID: 19136950 Crippa et al., Front Genet. 2019 Oct 15;10:955. PMID: 31749829 Curry Et al., Am J Med Genet A. 2013 Aug; 161A(8): 1833–1852. PMID: 23813913 Da Silva et al., Biomedicines. 2022 Nov 30;10(12):3078. PMID: 36551834 Klopocki et al., J Med Genet. 2012 Feb;49(2):119-25. PMID: 22147889 Nagata et al., Orphanet J Rare Dis. 2014 Oct 21;9:125. PMID: 25351291 Petit et al., Clin Genet. 2014 May;85(5):464-9. PMID: 23790188 Vittas et al., Genes (Basel). 2023 Jun 24;14(7):1333. PMID: 37510238